The following is an entry in ClinVar:

NM_022114.4(PRDM16):c.1484C>A (p.Pro495Gln)

Gene: PRDM16 (PR/SET domain 16; plus strand). Cytogenetic location: 1p36.32.
Variant type: single nucleotide variant.
Coding change: c.1484C>A on transcript NM_022114.4 (MANE Select); coding-DNA position 1484, C replaced by A.
Protein change: p.Pro495Gln; replaces proline 495 with glutamine.
Molecular consequence: missense variant.
Genome position (GRCh38, 1-based): chr1:3,411,681, C>A. VCF-style: chr1-3411681-C-A. GRCh37 (hg19) VCF-style: chr1-3328245-C-A.
Other names: c.1484C>A, p.Pro495Gln (NM_199454.3); short protein forms P495Q.
Identifiers: ClinVar variation 1174722 (VCV001174722.6), dbSNP rs779190595, ClinGen allele CA16966310.
Genomic context (GRCh38, chr1:3,411,681, plus strand): 5'-CCCCCAGCCTCAATCACGCCAGCCTGGGCTTCAACGAGTACTTTCCCTCCAGGCCGCACC[C>A]GGGGAGCCTGCCCTTCTCCACGGCGCCTCCCACGTTCCCCGCACTCACCCCCGGCTTCCC-3'
Protein context (NP_071397.3, residues 485-505): FNEYFPSRPH[Pro495Gln]GSLPFSTAPP

ClinVar aggregate classification (germline): Uncertain significance. Review status: criteria provided, single submitter (1 of 4 stars). 3 submissions from 3 submitters: Uncertain significance (1). 2 of the submissions do not count toward it. Last evaluated 2024-12-19.

Conditions:
Left ventricular noncompaction 8 (LVNC8). Identifiers: Orphanet 154, Orphanet 54260, MedGen C3809288, MONDO:0014152, OMIM 615373.

gnomAD v4.1: 26 of 1,611,070 alleles (0.0016%); highest among the groups gnomAD compares: Non-Finnish European, 0.002%; no homozygotes.

Submissions (3):

Labcorp Genetics (formerly Invitae), Labcorp
Classification: Uncertain significance for Left ventricular noncompaction 8. Last evaluated: 2024-12-19. Review status: criteria provided, single submitter. Criteria: Invitae Variant Classification Sherloc (09022015). Collection method: clinical testing. Allele origin: germline.
Comment: This sequence change replaces proline, which is neutral and non-polar, with glutamine, which is neutral and polar, at codon 495 of the PRDM16 protein (p.Pro495Gln). This variant is not present in population databases (gnomAD no frequency). This variant has not been reported in the literature in individuals affected with PRDM16-related conditions. ClinVar contains an entry for this variant (Variation ID: 1174722). An algorithm developed to predict the effect of missense changes on protein structure and function (PolyPhen-2) suggests that this variant is likely to be disruptive. In summary, the available evidence is currently insufficient to determine the role of this variant in disease. Therefore, it has been classified as a Variant of Uncertain Significance.

Clinical Genetics DNA and cytogenetics Diagnostics Lab, Erasmus MC, Erasmus Medical Center
Classification: Uncertain significance. Review status: no assertion criteria provided. Collection method: clinical testing. Allele origin: germline. Affected: yes. Study: VKGL Data-share Consensus. Not counted in ClinVar's aggregate classification.

Diagnostic Laboratory, Department of Genetics, University Medical Center Groningen
Classification: Uncertain significance. Review status: no assertion criteria provided. Collection method: clinical testing. Allele origin: germline. Affected: yes. Study: VKGL Data-share Consensus. Not counted in ClinVar's aggregate classification.